The following is an entry in ClinVar:

NM_152703.5(SAMD9L):c.2008G>A (p.Glu670Lys)

Gene: SAMD9L (sterile alpha motif domain containing 9 like; minus strand). Cytogenetic location: 7q21.2.
Variant type: single nucleotide variant.
Coding change: c.2008G>A on transcript NM_152703.5 (MANE Select); coding-DNA position 2008, G replaced by A.
Protein change: p.Glu670Lys; replaces glutamic acid 670 with lysine.
Molecular consequence: missense variant.
Genome position (GRCh38, 1-based): chr7:93,133,964, C>T on the plus strand (G>A on the coding strand, the complement: SAMD9L is on the minus strand). VCF-style: chr7-93133964-C-T. GRCh37 (hg19) VCF-style: chr7-92763277-C-T.
Other names: c.2008G>A (NM_152703.3, NM_152703.2); c.2008G>A, p.Glu670Lys (NM_001303496.3, NM_001303497.3, NM_001303498.3 and 5 more transcripts); short protein forms E670K.
Identifiers: ClinVar variation 2417749 (VCV002417749.8), dbSNP rs2535423455, ClinGen allele CA368193619.

ClinVar aggregate classification (germline): Uncertain significance. Review status: criteria provided, multiple submitters, no conflicts (2 of 4 stars). 3 submissions from 3 submitters: Uncertain significance (3). Last evaluated 2024-12-16.

Conditions:
Inborn genetic diseases. Identifiers: MedGen C0950123, MeSH D030342.

Allele frequency attached by ClinVar (database versions not stated): gnomAD exomes below 0.00001.

Submissions (3):

Ambry Genetics
Classification: Uncertain significance for Inborn genetic diseases. Last evaluated: 2024-12-16. Review status: criteria provided, single submitter. Criteria: Ambry Variant Classification Scheme 2023. Collection method: clinical testing. Allele origin: germline.
Comment: The p.E670K variant (also known as c.2008G>A), located in coding exon 1 of the SAMD9L gene, results from a G to A substitution at nucleotide position 2008. The glutamic acid at codon 670 is replaced by lysine, an amino acid with similar properties. This amino acid position is conserved. In addition, this alteration is predicted to be tolerated by in silico analysis. Based on the available evidence, the clinical significance of this variant remains unclear.

Labcorp Genetics (formerly Invitae), Labcorp
Classification: Uncertain significance. Last evaluated: 2024-10-22. Review status: criteria provided, single submitter. Criteria: Invitae Variant Classification Sherloc (09022015). Collection method: clinical testing. Allele origin: germline.
Comment: This sequence change replaces glutamic acid, which is acidic and polar, with lysine, which is basic and polar, at codon 670 of the SAMD9L protein (p.Glu670Lys). This variant is not present in population databases (gnomAD no frequency). This variant has not been reported in the literature in individuals affected with SAMD9L-related conditions. ClinVar contains an entry for this variant (Variation ID: 2417749). An algorithm developed to predict the effect of missense changes on protein structure and function (PolyPhen-2) suggests that this variant is likely to be disruptive. In summary, the available evidence is currently insufficient to determine the role of this variant in disease. Therefore, it has been classified as a Variant of Uncertain Significance.

GeneDx
Classification: Uncertain significance. Last evaluated: 2022-08-16. Review status: criteria provided, single submitter. Criteria: GeneDx Variant Classification Process June 2021. Collection method: clinical testing. Allele origin: germline. Affected: yes.
Comment: Not observed at significant frequency in large population cohorts (gnomAD); In silico analysis supports that this missense variant does not alter protein structure/function; Has not been previously published as pathogenic or benign to our knowledge